The following is an entry in ClinVar:

ClinVar aggregate classification (germline): Pathogenic. Review status: criteria provided, multiple submitters, no conflicts (2 of 4 stars). 3 submissions from 3 submitters: Pathogenic (3). Last evaluated 2026-03-19.

Conditions:
PAX6-related disorder. Also called: PAX6-related disorders; PAX6-related condition.
Aniridia 1 (AN1). Identifiers: Orphanet 250923, MedGen C0344542, MONDO:0024507, OMIM 106210.
Irido-corneo-trabecular dysgenesis (ASGD5). Also called: ANTERIOR SEGMENT DYSGENESIS 5. Identifiers: Orphanet 708, MedGen C0344559, MONDO:0011414, OMIM 604229, HP:0000659.

Allele frequency attached by ClinVar (database versions not stated): ExAC 0.00001.

Submissions (3):

GeneDx
Classification: Pathogenic. Last evaluated: 2026-03-19. Review status: criteria provided, single submitter. Criteria: GeneDx Variant Classification Process June 2021. Collection method: clinical testing. Allele origin: germline.
Comment: Not observed at significant frequency in large population cohorts (gnomAD); In silico analysis supports that this missense variant has a deleterious effect on protein structure/function; This variant is associated with the following publications: (PMID: 23942204, 19218613, 29780932, 36582291, 38849565, 38219857, 32467297, 34415986, 34101622, 30986449)

Labcorp Genetics (formerly Invitae), Labcorp
Classification: Pathogenic for Aniridia 1; Irido-corneo-trabecular dysgenesis. Last evaluated: 2022-08-24. Review status: criteria provided, single submitter. Criteria: Invitae Variant Classification Sherloc (09022015). Collection method: clinical testing. Allele origin: germline.
Comment: This variant is not present in population databases (gnomAD no frequency). For these reasons, this variant has been classified as Pathogenic. This variant disrupts the p.Gly72 amino acid residue in PAX6. Other variant(s) that disrupt this residue have been determined to be pathogenic (PMID: 2080308, 34101622). This suggests that this residue is clinically significant, and that variants that disrupt this residue are likely to be disease-causing. Advanced modeling of protein sequence and biophysical properties (such as structural, functional, and spatial information, amino acid conservation, physicochemical variation, residue mobility, and thermodynamic stability) performed at Invitae indicates that this missense variant is expected to disrupt PAX6 protein function. This missense change has been observed in individual(s) with aniridia (PMID: 19218613, 30986449, 32467297, 34101622). This sequence change replaces glycine, which is neutral and non-polar, with serine, which is neutral and polar, at codon 72 of the PAX6 protein (p.Gly72Ser).

Blueprint Genetics
Classification: Pathogenic for PAX6-related disorders. Last evaluated: 2022-08-11. Review status: criteria provided, single submitter. Criteria: ACMG Guidelines, 2015. Collection method: clinical testing. Allele origin: germline. Affected: yes. Observed: 2 variant alleles.

Literature cited by the submitters: PubMed 2080308 (cited by Labcorp Genetics (formerly Invitae), Labcorp); PubMed 34101622 (cited by Labcorp Genetics (formerly Invitae), Labcorp); PubMed 19218613 (cited by Labcorp Genetics (formerly Invitae), Labcorp); PubMed 30986449 (cited by Labcorp Genetics (formerly Invitae), Labcorp); PubMed 32467297 (cited by Labcorp Genetics (formerly Invitae), Labcorp).

NM_001368894.2(PAX6):c.256G>A (p.Gly86Ser)

Gene: PAX6 (paired box 6; minus strand). Cytogenetic location: 11p13.
Variant type: single nucleotide variant.
Coding change: c.256G>A on transcript NM_001368894.2 (MANE Select); coding-DNA position 256, G replaced by A.
Protein change: p.Gly86Ser; replaces glycine 86 with serine.
Molecular consequence: missense variant. On other transcripts: 5 prime UTR variant (14), non-coding transcript variant (2), intron variant (8).
Genome position (GRCh38, 1-based): chr11:31,801,704, C>T on the plus strand (G>A on the coding strand, the complement: PAX6 is on the minus strand). VCF-style: chr11-31801704-C-T. GRCh37 (hg19) VCF-style: chr11-31823252-C-T.
Other names: c.214G>A, p.Gly72Ser (NM_000280.6, NM_001127612.3, NM_001258464.2 and 10 more transcripts); c.256G>A, p.Gly86Ser (NM_001258462.3, NM_001258463.2, NM_001310158.2 and 6 more transcripts); c.-526G>A (NM_001310160.2, NM_001368902.2, NM_001368905.2); c.-195G>A (NM_001310161.3, NM_001368899.2, NM_001368900.2 and 8 more transcripts); c.457G>A, p.Gly153Ser (NM_001368910.2); c.259G>A, p.Gly87Ser (NM_001368911.2); c.331G>A, p.Gly111Ser (NM_001368918.2, NM_001368919.2); c.289G>A, p.Gly97Ser (NM_001368920.2); and 2 more; short protein forms G87S, G86S, G111S, G153S, G97S, G72S.
Identifiers: ClinVar variation 2137041 (VCV002137041.6), dbSNP rs759557055, ClinGen allele CA5933929.